The following is an entry in ClinVar:

ClinVar aggregate classification (germline): Uncertain significance (1 of 4 stars; one submission).

gnomAD v4.1: 1 of 1,614,078 alleles (0.000062%); highest among the groups gnomAD compares: Non-Finnish European, 0.000085%; no homozygotes.

Submission:

GeneDx
Classification: Uncertain significance. Last evaluated: 2026-10-05. Review status: criteria provided, single submitter. Criteria: GeneDx Variant Classification Process June 2021. Collection method: clinical testing. Allele origin: germline.
Comment: Not observed at significant frequency in large population cohorts (gnomAD); In silico analysis supports that this missense variant has a deleterious effect on protein structure/function; Has not been previously published as pathogenic or benign to our knowledge; This variant is associated with the following publications: (PMID: 25609763, 26100331, 25512093)

NM_001376.5(DYNC1H1):c.4535A>G (p.Tyr1512Cys)

Gene: DYNC1H1 (dynein cytoplasmic 1 heavy chain 1; plus strand). Cytogenetic location: 14q32.31.
Variant type: single nucleotide variant.
Coding change: c.4535A>G on transcript NM_001376.5 (MANE Select); coding-DNA position 4535, A replaced by G.
Protein change: p.Tyr1512Cys; replaces tyrosine 1512 with cysteine.
Molecular consequence: missense variant.
Genome position (GRCh38, 1-based): chr14:102,001,674, A>G. VCF-style: chr14-102001674-A-G. GRCh37 (hg19) VCF-style: chr14-102468011-A-G.
Other names: short protein forms Y1512C.
Identifiers: ClinVar variation 4795333 (VCV004795333.2).